The following is an entry in ClinVar:

NM_000530.8(MPZ):c.161C>T (p.Ser54Phe)

Gene: MPZ (myelin protein zero; minus strand). Cytogenetic location: 1q23.3.
Variant type: single nucleotide variant.
Coding change: c.161C>T on transcript NM_000530.8 (MANE Select); coding-DNA position 161, C replaced by T.
Protein change: p.Ser54Phe; replaces serine 54 with phenylalanine.
Molecular consequence: missense variant.
Genome position (GRCh38, 1-based): chr1:161,307,331, G>A on the plus strand (C>T on the coding strand, the complement: MPZ is on the minus strand). VCF-style: chr1-161307331-G-A. GRCh37 (hg19) VCF-style: chr1-161277121-G-A.
Other names: c.161C>T, p.Ser54Phe (NM_001315491.2); short protein forms S54F.
Identifiers: ClinVar variation 3665076 (VCV003665076.2).

ClinVar aggregate classification (germline): Uncertain significance (1 of 4 stars; one submission).

Conditions:
Charcot-Marie-Tooth disease, type I (CMT1). Also called: Charcot-Marie-Tooth, Type 1; Charcot-Marie-Tooth disease type 1. Identifiers: Orphanet 65753, MedGen C0751036, MONDO:0019011.

Submission:

Labcorp Genetics (formerly Invitae), Labcorp
Classification: Uncertain significance for Charcot-Marie-Tooth disease, type I. Last evaluated: 2024-12-17. Review status: criteria provided, single submitter. Criteria: Invitae Variant Classification Sherloc (09022015). Collection method: clinical testing. Allele origin: germline.
Comment: This sequence change replaces serine, which is neutral and polar, with phenylalanine, which is neutral and non-polar, at codon 54 of the MPZ protein (p.Ser54Phe). This variant is not present in population databases (gnomAD no frequency). This variant has not been reported in the literature in individuals affected with MPZ-related conditions. Invitae Evidence Modeling of protein sequence and biophysical properties (such as structural, functional, and spatial information, amino acid conservation, physicochemical variation, residue mobility, and thermodynamic stability) indicates that this missense variant is expected to disrupt MPZ protein function with a positive predictive value of 80%. This variant disrupts the p.Ser54 amino acid residue in MPZ. Other variant(s) that disrupt this residue have been determined to be pathogenic (PMID: 10093067, 12090401, 25025039). This suggests that this residue is clinically significant, and that variants that disrupt this residue are likely to be disease-causing. In summary, the available evidence is currently insufficient to determine the role of this variant in disease. Therefore, it has been classified as a Variant of Uncertain Significance.

Literature cited by the submitters: PubMed 10093067; PubMed 12090401; PubMed 25025039.